The following is an entry in ClinVar:

ClinVar aggregate classification (germline): Uncertain significance (1 of 4 stars; one submission).

Conditions:
Cardiovascular phenotype. Identifiers: MedGen CN230736.

gnomAD v4.1: 3 of 1,611,988 alleles (0.00019%); highest among the groups gnomAD compares: Non-Finnish European, 0.00025%; no homozygotes.

Submission:

Ambry Genetics
Classification: Uncertain significance for Cardiovascular phenotype. Last evaluated: 2026-02-24. Review status: criteria provided, single submitter. Criteria: Ambry Variant Classification Scheme 2023. Collection method: clinical testing. Allele origin: germline.
Comment: The p.P1836S variant (also known as c.5506C>T), located in coding exon 14 of the TNXB gene, results from a C to T substitution at nucleotide position 5506. The proline at codon 1836 is replaced by serine, an amino acid with similar properties. This amino acid position is conserved. In addition, this alteration is predicted to be tolerated by in silico analysis. Based on the available evidence, the clinical significance of this variant remains unclear.

NM_001365276.2(TNXB):c.5506C>T (p.Pro1836Ser)

Gene: TNXB (tenascin XB; minus strand). Cytogenetic location: 6p21.33.
Variant type: single nucleotide variant.
Coding change: c.5506C>T on transcript NM_001365276.2 (MANE Select); coding-DNA position 5506, C replaced by T.
Protein change: p.Pro1836Ser; replaces proline 1836 with serine.
Molecular consequence: missense variant.
Genome position (GRCh38, 1-based): chr6:32,069,634, G>A on the plus strand (C>T on the coding strand, the complement: TNXB is on the minus strand). VCF-style: chr6-32069634-G-A. GRCh37 (hg19) VCF-style: chr6-32037411-G-A.
Other names: c.6247C>T, p.Pro2083Ser (NM_001428335.1); c.5506C>T, p.Pro1836Ser (NM_019105.8); short protein forms P1836S, P2083S.
Identifiers: ClinVar variation 4826801 (VCV004826801.1).